The following is an entry in ClinVar:

NM_004656.4(BAP1):c.1995G>T (p.Gln665His)

Gene: BAP1 (BRCA1 associated deubiquitinase 1; minus strand). Cytogenetic location: 3p21.1.
Variant type: single nucleotide variant.
Coding change: c.1995G>T on transcript NM_004656.4 (MANE Select); coding-DNA position 1995, G replaced by T.
Protein change: p.Gln665His; replaces glutamine 665 with histidine.
Molecular consequence: missense variant.
Genome position (GRCh38, 1-based): chr3:52,402,663, C>A on the plus strand (G>T on the coding strand, the complement: BAP1 is on the minus strand). VCF-style: chr3-52402663-C-A. GRCh37 (hg19) VCF-style: chr3-52436679-C-A.
Other names: c.1995G>T (NM_004656.2); short protein forms Q665H.
Identifiers: ClinVar variation 1036751 (VCV001036751.8), dbSNP rs1705000474, ClinGen allele CA353096356.

ClinVar aggregate classification (germline): Conflicting classifications of pathogenicity. Review status: criteria provided, conflicting classifications (1 of 4 stars). 3 submissions from 3 submitters: Uncertain significance (2); Likely benign (1). Last evaluated 2025-12-15.

Conditions:
BAP1-related tumor predisposition syndrome (TPDS1). Also called: COMMON Syndrome; Tumor susceptibility linked to germline BAP1 mutations; TUMOR PREDISPOSITION SYNDROME 1; BAP1 tumor predisposition syndrome. Identifiers: Orphanet 289539, MedGen C3280492, MONDO:0013692, OMIM 614327.
Hereditary cancer-predisposing syndrome. Also called: Hereditary Cancer Syndrome; Neoplastic Syndromes, Hereditary; Tumor predisposition; Hereditary neoplastic syndrome. Identifiers: Orphanet 140162, MedGen C0027672, MeSH D009386, MONDO:0015356.

Allele frequency attached by ClinVar (database versions not stated): gnomAD 0.00001; TOPMed 0.00001.
gnomAD v4.1: 1 of 1,614,102 alleles (0.000062%); no homozygotes.

Submissions (3):

Ambry Genetics
Classification: Likely benign for Hereditary cancer-predisposing syndrome. Last evaluated: 2025-12-15. Review status: criteria provided, single submitter. Criteria: Ambry Variant Classification Scheme 2023. Collection method: clinical testing. Allele origin: germline.

Labcorp Genetics (formerly Invitae), Labcorp
Classification: Uncertain significance for BAP1-related tumor predisposition syndrome. Last evaluated: 2024-01-02. Review status: criteria provided, single submitter. Criteria: Invitae Variant Classification Sherloc (09022015). Collection method: clinical testing. Allele origin: germline.
Comment: This sequence change replaces glutamine, which is neutral and polar, with histidine, which is basic and polar, at codon 665 of the BAP1 protein (p.Gln665His). This variant is not present in population databases (gnomAD no frequency). This variant has not been reported in the literature in individuals affected with BAP1-related conditions. ClinVar contains an entry for this variant (Variation ID: 1036751). Advanced modeling of protein sequence and biophysical properties (such as structural, functional, and spatial information, amino acid conservation, physicochemical variation, residue mobility, and thermodynamic stability) has been performed at Invitae for this missense variant, however the output from this modeling did not meet the statistical confidence thresholds required to predict the impact of this variant on BAP1 protein function. In summary, the available evidence is currently insufficient to determine the role of this variant in disease. Therefore, it has been classified as a Variant of Uncertain Significance.

Baylor Genetics
Classification: Uncertain significance for BAP1-related tumor predisposition syndrome. Last evaluated: 2023-05-03. Review status: criteria provided, single submitter. Criteria: ACMG Guidelines, 2015. Collection method: clinical testing. Allele origin: unknown.

Literature cited by the submitters: PubMed 38969833 (cited by Ambry Genetics).